The following is an entry in ClinVar:

ClinVar aggregate classification (germline): Likely benign (0 of 4 stars; one submission).

Conditions:
SCLT1-related disorder. Also called: SCLT1-related condition.

Submission:

PreventionGenetics, part of Exact Sciences
Classification: Likely benign for SCLT1-related condition. Last evaluated: 2019-10-30. Review status: no assertion criteria provided. Collection method: clinical testing. Allele origin: germline.
Comment: This variant is classified as likely benign based on ACMG/AMP sequence variant interpretation guidelines (Richards et al. 2015 PMID: 25741868, with internal and published modifications).

NM_144643.4(SCLT1):c.290+907dup

Gene: SCLT1 (sodium channel and clathrin linker 1; minus strand). Cytogenetic location: 4q28.2.
Variant type: Duplication.
Coding change: c.290+907dup on transcript NM_144643.4 (MANE Select); 907 bases into the intron after coding-DNA position 290, one base duplicated (T; older notation c.290+907dupT).
Molecular consequence: intron variant.
Genome position (GRCh38, 1-based): chr4:129,038,134, A duplicated on the plus strand (T on the coding strand, the reverse complement: SCLT1 is on the minus strand); the first of 10 consecutive A bases (chr4:129,038,134-129,038,143); duplicating any one gives the same sequence. VCF-style (leftmost placement, unchanged base first): chr4-129038133-C-CA. GRCh37 (hg19) VCF-style: chr4-129959288-C-CA.
Other names: c.290+907dup (NM_001410807.1); c.291-8dup (NM_001300898.2).
Identifiers: ClinVar variation 3055767 (VCV003055767.2), dbSNP rs768580915, ClinGen allele CA105743983.